The following is an entry in ClinVar:

NM_052859.4(RFT1):c.519G>C (p.Trp173Cys)

Gene: RFT1 (RFT1 glycolipid translocator homolog; minus strand). Cytogenetic location: 3p21.1.
Variant type: single nucleotide variant.
Coding change: c.519G>C on transcript NM_052859.4 (MANE Select); coding-DNA position 519, G replaced by C.
Protein change: p.Trp173Cys; replaces tryptophan 173 with cysteine.
Molecular consequence: missense variant.
Genome position (GRCh38, 1-based): chr3:53,121,738, C>G on the plus strand (G>C on the coding strand, the complement: RFT1 is on the minus strand). VCF-style: chr3-53121738-C-G. GRCh37 (hg19) VCF-style: chr3-53155754-C-G.
Other names: short protein forms W173C.
Identifiers: ClinVar variation 1990035 (VCV001990035.4), dbSNP rs759320646, ClinGen allele CA2451432.

ClinVar aggregate classification (germline): Uncertain significance (1 of 4 stars; one submission).

Conditions:
RFT1-congenital disorder of glycosylation (CDG1N). Also called: Congenital disorder of glycosylation type In; RFT1-CDG; CDG In. Identifiers: Orphanet 244310, MedGen C2677590, MONDO:0012783, OMIM 612015.

Allele frequency attached by ClinVar (database versions not stated): ExAC 0.00001; gnomAD 0.00001; gnomAD exomes 0.00001.
gnomAD v4.1: 21 of 1,613,946 alleles (0.0013%); highest among the groups gnomAD compares: Non-Finnish European, 0.0018%; no homozygotes.

Submission:

Labcorp Genetics (formerly Invitae), Labcorp
Classification: Uncertain significance for RFT1-congenital disorder of glycosylation. Last evaluated: 2022-06-04. Review status: criteria provided, single submitter. Criteria: Invitae Variant Classification Sherloc (09022015). Collection method: clinical testing. Allele origin: germline.
Comment: In summary, the available evidence is currently insufficient to determine the role of this variant in disease. Therefore, it has been classified as a Variant of Uncertain Significance. Algorithms developed to predict the effect of missense changes on protein structure and function output the following: SIFT: "Tolerated"; PolyPhen-2: "Benign"; Align-GVGD: "Class C0". The cysteine amino acid residue is found in multiple mammalian species, which suggests that this missense change does not adversely affect protein function. This variant has not been reported in the literature in individuals affected with RFT1-related conditions. This variant is present in population databases (rs759320646, gnomAD 0.003%). This sequence change replaces tryptophan, which is neutral and slightly polar, with cysteine, which is neutral and slightly polar, at codon 173 of the RFT1 protein (p.Trp173Cys).